The following is an entry in ClinVar:

ClinVar aggregate classification (germline): Uncertain significance. Review status: criteria provided, multiple submitters, no conflicts (2 of 4 stars). 2 submissions from 2 submitters: Uncertain significance (2). Last evaluated 2026-08-06.

Conditions:
Autoinflammatory syndrome, familial, Behcet-like 1 (AIFBL1). Also called: Haploinsufficiency of A20. Identifiers: Orphanet 674762, MedGen C4225218, MONDO:0800045, OMIM 616744.

Allele frequency attached by ClinVar (database versions not stated): ExAC 0.00001; gnomAD exomes below 0.00001.
gnomAD v4.1: 6 of 1,593,304 alleles (0.00038%); highest among the groups gnomAD compares: Non-Finnish European, 0.00051%; no homozygotes.

Submissions (2):

OLLIN Analises Genomicas, OLLIN
Classification: Uncertain significance for Autoinflammatory syndrome, familial, Behcet-like 1. Last evaluated: 2026-08-06. Review status: criteria provided, single submitter. Criteria: ACMG Guidelines 2015 PMID 25741868. Collection method: clinical testing. Allele origin: germline. Inheritance: Autosomal dominant inheritance.
Comment: This missense variant, located in exon 9 (of 9), has been reported in ClinVar (accession VCV002989048.3) and in gnomAD with an allele frequency of 0.00038%. However, to our knowledge, it has not been reported in the scientific literature. In silico analysis predicts that this variant has a tolerated effect. According to the currently available evidence, this variant has been classified as uncertain significance (BP4_M).

Labcorp Genetics (formerly Invitae), Labcorp
Classification: Uncertain significance. Last evaluated: 2025-09-28. Review status: criteria provided, single submitter. Criteria: Invitae Variant Classification Sherloc (09022015). Collection method: clinical testing. Allele origin: germline.
Comment: This sequence change replaces alanine, which is neutral and non-polar, with proline, which is neutral and non-polar, at codon 773 of the TNFAIP3 protein (p.Ala773Pro). This variant is present in population databases (rs573172680, gnomAD 0.001%). This variant has not been reported in the literature in individuals affected with TNFAIP3-related conditions. ClinVar contains an entry for this variant (Variation ID: 2989048). An algorithm developed to predict the effect of missense changes on protein structure and function (PolyPhen-2) suggests that this variant is likely to be disruptive. In summary, the available evidence is currently insufficient to determine the role of this variant in disease. Therefore, it has been classified as a Variant of Uncertain Significance.

NM_001270508.2(TNFAIP3):c.2317G>C (p.Ala773Pro)

Gene: TNFAIP3 (TNF alpha induced protein 3; plus strand). Cytogenetic location: 6q23.3.
Variant type: single nucleotide variant.
Coding change: c.2317G>C on transcript NM_001270508.2 (MANE Select); coding-DNA position 2317, G replaced by C.
Protein change: p.Ala773Pro; replaces alanine 773 with proline.
Molecular consequence: missense variant.
Genome position (GRCh38, 1-based): chr6:137,881,263, G>C. VCF-style: chr6-137881263-G-C. GRCh37 (hg19) VCF-style: chr6-138202400-G-C.
Other names: c.2317G>C, p.Ala773Pro (NM_001270507.2, NM_006290.4); short protein forms A773P.
Identifiers: ClinVar variation 2989048 (VCV002989048.4), dbSNP rs573172680, ClinGen allele CA4019842.
Genomic context (GRCh38, chr6:137,881,263, plus strand): 5'-GCCCCCGAAGACCCCCCCAAGCAGCGTTGCCGGGCCCCCGCCTGTGATCATTTTGGCAAT[G>C]CCAAGTGCAACGGCTACTGCAACGAATGCTTTCAGTTCAAGCAGATGTATGGCTAACCGG-3'
Protein context (NP_001257437.1, residues 763-783): RAPACDHFGN[Ala773Pro]KCNGYCNECF